The following is an entry in ClinVar:

NM_032447.5(FBN3):c.3014C>T (p.Thr1005Met)

Gene: FBN3 (fibrillin 3; minus strand). Cytogenetic location: 19p13.2.
Variant type: single nucleotide variant.
Coding change: c.3014C>T on transcript NM_032447.5 (MANE Select); coding-DNA position 3014, C replaced by T.
Protein change: p.Thr1005Met; replaces threonine 1005 with methionine.
Molecular consequence: missense variant.
Genome position (GRCh38, 1-based): chr19:8,123,532, G>A on the plus strand (C>T on the coding strand, the complement: FBN3 is on the minus strand). VCF-style: chr19-8123532-G-A. GRCh37 (hg19) VCF-style: chr19-8188416-G-A.
Other names: c.3014C>T (NM_032447.3); c.3014C>T, p.Thr1005Met (NM_001321431.2); short protein forms T1005M.
Identifiers: ClinVar variation 1986470 (VCV001986470.5), dbSNP rs745432974, ClinGen allele CA9152626.

ClinVar aggregate classification (germline): Uncertain significance. Review status: criteria provided, multiple submitters, no conflicts (2 of 4 stars). 2 submissions from 2 submitters: Uncertain significance (2). Last evaluated 2025-09-22.

Allele frequency attached by ClinVar (database versions not stated): gnomAD 0.00002; gnomAD exomes 0.00002; TOPMed 0.00003; ExAC 0.00010.
gnomAD v4.1: 36 of 1,614,048 alleles (0.0022%); highest among the groups gnomAD compares: Admixed American, 0.033%; no homozygotes.

Submissions (2):

Labcorp Genetics (formerly Invitae), Labcorp
Classification: Uncertain significance. Last evaluated: 2025-09-22. Review status: criteria provided, single submitter. Criteria: Invitae Variant Classification Sherloc (09022015). Collection method: clinical testing. Allele origin: germline.
Comment: This sequence change replaces threonine, which is neutral and polar, with methionine, which is neutral and non-polar, at codon 1005 of the FBN3 protein (p.Thr1005Met). This variant is present in population databases (rs745432974, gnomAD 0.05%). This variant has not been reported in the literature in individuals affected with FBN3-related conditions. ClinVar contains an entry for this variant (Variation ID: 1986470). Invitae Evidence Modeling of protein sequence and biophysical properties (such as structural, functional, and spatial information, amino acid conservation, physicochemical variation, residue mobility, and thermodynamic stability) has been performed for this missense variant. However, the output from this modeling did not meet the statistical confidence thresholds required to predict the impact of this variant on FBN3 protein function. In summary, the available evidence is currently insufficient to determine the role of this variant in disease. Therefore, it has been classified as a Variant of Uncertain Significance.

Ambry Genetics
Classification: Uncertain significance. Last evaluated: 2024-12-11. Review status: criteria provided, single submitter. Criteria: Ambry Variant Classification Scheme 2023. Collection method: clinical testing. Allele origin: germline.